The following is an entry in ClinVar:

ClinVar aggregate classification (germline): Uncertain significance (1 of 4 stars; one submission).

Allele frequency attached by ClinVar (database versions not stated): gnomAD exomes 0.00001; ExAC 0.00002.

Submission:

Labcorp Genetics (formerly Invitae), Labcorp
Classification: Uncertain significance. Last evaluated: 2023-11-01. Review status: criteria provided, single submitter. Criteria: Invitae Variant Classification Sherloc (09022015). Collection method: clinical testing. Allele origin: germline.
Comment: This sequence change replaces arginine, which is basic and polar, with cysteine, which is neutral and slightly polar, at codon 218 of the DCHS1 protein (p.Arg218Cys). This variant is present in population databases (rs543316074, gnomAD 0.01%). This variant has not been reported in the literature in individuals affected with DCHS1-related conditions. Advanced modeling of protein sequence and biophysical properties (such as structural, functional, and spatial information, amino acid conservation, physicochemical variation, residue mobility, and thermodynamic stability) performed at Invitae indicates that this missense variant is not expected to disrupt DCHS1 protein function with a negative predictive value of 95%. In summary, the available evidence is currently insufficient to determine the role of this variant in disease. Therefore, it has been classified as a Variant of Uncertain Significance.

NM_003737.4(DCHS1):c.652C>T (p.Arg218Cys)

Gene: DCHS1 (dachsous cadherin-related 1; minus strand). Cytogenetic location: 11p15.4.
Variant type: single nucleotide variant.
Coding change: c.652C>T on transcript NM_003737.4 (MANE Select); coding-DNA position 652, C replaced by T.
Protein change: p.Arg218Cys; replaces arginine 218 with cysteine.
Molecular consequence: missense variant.
Genome position (GRCh38, 1-based): chr11:6,640,962, G>A on the plus strand (C>T on the coding strand, the complement: DCHS1 is on the minus strand). VCF-style: chr11-6640962-G-A. GRCh37 (hg19) VCF-style: chr11-6662193-G-A.
Other names: short protein forms R218C.
Identifiers: ClinVar variation 3016070 (VCV003016070.3), dbSNP rs543316074, ClinGen allele CA5861115.